The following is an entry in ClinVar:

ClinVar aggregate classification (germline): Uncertain significance. Review status: criteria provided, multiple submitters, no conflicts (2 of 4 stars). 2 submissions from 2 submitters: Uncertain significance (2). Last evaluated 2024-10-24.

Conditions:
Sulfite oxidase deficiency. Also called: Isolated sulfite oxidase deficiency. Identifiers: Orphanet 833, Orphanet 99731, MedGen C0268624, MONDO:0010089, OMIM 272300, HP:0003643.

Allele frequency attached by ClinVar (database versions not stated): gnomAD exomes 0.00001; TOPMed 0.00001.
gnomAD v4.1: 12 of 1,614,074 alleles (0.00074%); highest among the groups gnomAD compares: Admixed American, 0.0017%; no homozygotes.

Submissions (2):

Labcorp Genetics (formerly Invitae), Labcorp
Classification: Uncertain significance for Sulfite oxidase deficiency. Last evaluated: 2024-10-24. Review status: criteria provided, single submitter. Criteria: Invitae Variant Classification Sherloc (09022015). Collection method: clinical testing. Allele origin: germline.
Comment: This sequence change replaces cysteine, which is neutral and slightly polar, with serine, which is neutral and polar, at codon 30 of the SUOX protein (p.Cys30Ser). This variant is present in population databases (no rsID available, gnomAD 0.007%). This variant has not been reported in the literature in individuals affected with SUOX-related conditions. ClinVar contains an entry for this variant (Variation ID: 881843). Invitae Evidence Modeling of protein sequence and biophysical properties (such as structural, functional, and spatial information, amino acid conservation, physicochemical variation, residue mobility, and thermodynamic stability) indicates that this missense variant is not expected to disrupt SUOX protein function with a negative predictive value of 95%. In summary, the available evidence is currently insufficient to determine the role of this variant in disease. Therefore, it has been classified as a Variant of Uncertain Significance.

Illumina Laboratory Services, Illumina
Classification: Uncertain significance for Sulfite oxidase deficiency. Last evaluated: 2018-01-13. Review status: criteria provided, single submitter. Criteria: ICSL Variant Classification Criteria 13 December 2019. Collection method: clinical testing. Allele origin: germline.

NM_001032386.2(SUOX):c.89G>C (p.Cys30Ser)

Gene: SUOX (sulfite oxidase; plus strand). Cytogenetic location: 12q13.2.
Variant type: single nucleotide variant.
Coding change: c.89G>C on transcript NM_001032386.2 (MANE Select); coding-DNA position 89, G replaced by C.
Protein change: p.Cys30Ser; replaces cysteine 30 with serine.
Molecular consequence: missense variant.
Genome position (GRCh38, 1-based): chr12:56,002,581, G>C. VCF-style: chr12-56002581-G-C. GRCh37 (hg19) VCF-style: chr12-56396365-G-C.
Other names: c.89G>C, p.Cys30Ser (NM_000456.3, NM_001032387.2); short protein forms C30S.
Identifiers: ClinVar variation 881843 (VCV000881843.8), dbSNP rs1419540521, ClinGen allele CA385279227.